The following is an entry in ClinVar:

ClinVar aggregate classification (germline): Uncertain significance (1 of 4 stars; one submission).

Conditions:
Severe combined immunodeficiency due to DNA-PKcs deficiency. Also called: IMMUNODEFICIENCY 26 WITH NEUROLOGIC ABNORMALITIES; Immunodeficiency 26 with or without neurologic abnormalities. Identifiers: Orphanet 317425, MedGen C4014833, MONDO:0014423, OMIM 615966.

Allele frequency attached by ClinVar (database versions not stated): gnomAD 0.00001; TOPMed 0.00001; ExAC 0.00002; gnomAD exomes 0.00002.
gnomAD v4.1: 16 of 1,602,142 alleles (0.001%); highest among the groups gnomAD compares: East Asian, 0.031%; no homozygotes.

Submission:

Labcorp Genetics (formerly Invitae), Labcorp
Classification: Uncertain significance for Severe combined immunodeficiency due to DNA-PKcs deficiency. Last evaluated: 2021-06-19. Review status: criteria provided, single submitter. Criteria: Invitae Variant Classification Sherloc (09022015). Collection method: clinical testing. Allele origin: germline.
Comment: In summary, the available evidence is currently insufficient to determine the role of this variant in disease. Therefore, it has been classified as a Variant of Uncertain Significance. Experimental studies and prediction algorithms are not available or were not evaluated, and the functional significance of this variant is currently unknown. This variant has not been reported in the literature in individuals with PRKDC-related conditions. This variant is present in population databases (rs759215389, ExAC 0.02%). This sequence change replaces alanine with threonine at codon 3785 of the PRKDC protein (p.Ala3785Thr). The alanine residue is weakly conserved and there is a small physicochemical difference between alanine and threonine.

NM_006904.7(PRKDC):c.11353G>A (p.Ala3785Thr)

Gene: PRKDC (protein kinase, DNA-activated, catalytic subunit; minus strand). Cytogenetic location: 8q11.21.
Variant type: single nucleotide variant.
Coding change: c.11353G>A on transcript NM_006904.7 (MANE Select); coding-DNA position 11353, G replaced by A.
Protein change: p.Ala3785Thr; replaces alanine 3785 with threonine.
Molecular consequence: missense variant.
Genome position (GRCh38, 1-based): chr8:47,782,421, C>T on the plus strand (G>A on the coding strand, the complement: PRKDC is on the minus strand). VCF-style: chr8-47782421-C-T. GRCh37 (hg19) VCF-style: chr8-48694982-C-T.
Other names: c.11353G>A, p.Ala3785Thr (NM_001081640.2); short protein forms A3785T.
Identifiers: ClinVar variation 1390002 (VCV001390002.5), dbSNP rs759215389, ClinGen allele CA4739111.